The following is an entry in ClinVar:

ClinVar aggregate classification (germline): Conflicting classifications of pathogenicity. Review status: criteria provided, conflicting classifications (1 of 4 stars). 7 submissions from 7 submitters: Uncertain significance (6); Likely benign (1). Last evaluated 2025-12-23.

Conditions:
Arrhythmogenic right ventricular cardiomyopathy (ARVD). Also called: Arrhythmogenic right ventricular dysplasia; Arrhythmogenic cardiomyopathy; Arrhythmogenic Right Ventricular Cardiomyopathy (ARVC); Cardiomyopathy, ARVC. Identifiers: Orphanet 247, MedGen C0349788, MeSH D019571, MONDO:0016587. Disease mechanism: loss of function. Inheritance: Various modes of inheritance.
Cardiomyopathy (CMYO). Also called: Cardiomyopathies. Identifiers: Orphanet 167848, MedGen C0878544, MONDO:0004994, HP:0001638. Inheritance: Various modes of inheritance.
Arrhythmogenic right ventricular dysplasia 10. Also called: Arrhythmogenic Right Ventricular Dysplasia/Cardiomyopathy10; ARRHYTHMOGENIC RIGHT VENTRICULAR DYSPLASIA, FAMILIAL, 10; Arrhythmogenic right ventricular dysplasia/cardiomyopathy, type 10. Identifiers: MedGen C1857777, MONDO:0012434, OMIM 610193.
Cardiovascular phenotype. Identifiers: MedGen CN230736.
Dilated cardiomyopathy 1BB (CMD1BB). Also called: CARDIOMYOPATHY, DILATED, 1BB, SUSCEPTIBILITY TO. Identifiers: Orphanet 154, MedGen C2752072, MONDO:0013030, OMIM 612877.

Allele frequency attached by ClinVar (database versions not stated): gnomAD 0.00001; gnomAD exomes 0.00001 and 0.00002; TOPMed 0.00001; ExAC 0.00002; 1000 Genomes Project 0.00020.

Submissions (7):

Labcorp Genetics (formerly Invitae), Labcorp
Classification: Uncertain significance for Arrhythmogenic right ventricular dysplasia 10. Last evaluated: 2025-12-23. Review status: criteria provided, single submitter. Criteria: Invitae Variant Classification Sherloc (09022015). Collection method: clinical testing. Allele origin: germline.
Comment: This sequence change replaces glutamic acid, which is acidic and polar, with lysine, which is basic and polar, at codon 156 of the DSG2 protein (p.Glu156Lys). This variant is present in population databases (rs566251077, gnomAD 0.006%). This variant has not been reported in the literature in individuals affected with DSG2-related conditions. ClinVar contains an entry for this variant (Variation ID: 921954). Invitae Evidence Modeling of protein sequence and biophysical properties (such as structural, functional, and spatial information, amino acid conservation, physicochemical variation, residue mobility, and thermodynamic stability) indicates that this missense variant is not expected to disrupt DSG2 protein function with a negative predictive value of 95%. In summary, the available evidence is currently insufficient to determine the role of this variant in disease. Therefore, it has been classified as a Variant of Uncertain Significance.

Ambry Genetics
Classification: Uncertain significance for Cardiovascular phenotype. Last evaluated: 2025-09-05. Review status: criteria provided, single submitter. Criteria: Ambry Variant Classification Scheme 2023. Collection method: clinical testing. Allele origin: germline.
Comment: The p.E156K variant (also known as c.466G>A), located in coding exon 5 of the DSG2 gene, results from a G to A substitution at nucleotide position 466. The glutamic acid at codon 156 is replaced by lysine, an amino acid with similar properties. This amino acid position is not well conserved in available vertebrate species. In addition, this alteration is predicted to be tolerated by in silico analysis. Based on the available evidence, the clinical significance of this variant remains unclear.

Color Diagnostics, LLC DBA Color Health
Classification: Likely benign for Cardiomyopathy. Last evaluated: 2025-06-20. Review status: criteria provided, single submitter. Criteria: ACMG Guidelines, 2015. Collection method: clinical testing. Allele origin: germline.

Mayo Clinic Laboratories, Mayo Clinic
Classification: Uncertain significance. Last evaluated: 2025-04-08. Review status: criteria provided, single submitter. Criteria: ACMG Guidelines, 2015. Collection method: clinical testing. Allele origin: germline. Observed: 1 variant allele.
Comment: BP4_moderate

CeGaT Center for Human Genetics Tuebingen
Classification: Uncertain significance. Last evaluated: 2024-05-01. Review status: criteria provided, single submitter. Criteria: CeGaT Center For Human Genetics Tuebingen Variant Classification Criteria Version 2. Collection method: clinical testing. Allele origin: germline. Affected: yes. Observed: 1 variant allele.
Comment: DSG2: PM2

All of Us Research Program, National Institutes of Health
Classification: Uncertain significance for Arrhythmogenic right ventricular cardiomyopathy. Last evaluated: 2023-11-02. Review status: criteria provided, single submitter. Criteria: ACMG Guidelines, 2015. Collection method: clinical testing. Allele origin: germline. Inheritance: Autosomal dominant inheritance. Observed: 3 variant alleles, 3 heterozygotes.
Comment: This missense variant replaces glutamic acid with lysine at codon 156 of the DSG2 protein. Computational prediction suggests that this variant may not impact protein structure and function (internally defined REVEL score threshold <= 0.5, PMID: 27666373). To our knowledge, functional studies have not been reported for this variant. This variant has not been reported in individuals affected with cardiovascular disorders in the literature. This variant has been identified in 6/249306 chromosomes in the general population by the Genome Aggregation Database (gnomAD). The available evidence is insufficient to determine the role of this variant in disease conclusively. Therefore, this variant is classified as a Variant of Uncertain Significance.

This study involves interpretation of variants in research participants for the purpose of population health screening. Participant phenotype was not available at the time of variant classification. Additional details can be found in publication PMID: 35346344, PMCID: PMC8962531

Fulgent Genetics
Classification: Uncertain significance for Arrhythmogenic right ventricular dysplasia 10; Dilated cardiomyopathy 1BB. Last evaluated: 2021-10-30. Review status: criteria provided, single submitter. Criteria: ACMG Guidelines, 2015. Collection method: clinical testing. Allele origin: unknown.

NM_001943.5(DSG2):c.466G>A (p.Glu156Lys)

Gene: DSG2 (desmoglein 2; plus strand). Cytogenetic location: 18q12.1.
Variant type: single nucleotide variant.
Coding change: c.466G>A on transcript NM_001943.5 (MANE Select); coding-DNA position 466, G replaced by A.
Protein change: p.Glu156Lys; replaces glutamic acid 156 with lysine.
Molecular consequence: missense variant.
Genome position (GRCh38, 1-based): chr18:31,521,186, G>A. VCF-style: chr18-31521186-G-A. GRCh37 (hg19) VCF-style: chr18-29101149-G-A.
Other names: p.Glu156Lys; c.466G>A (NM_001943.3); short protein forms E156K.
Identifiers: ClinVar variation 921954 (VCV000921954.30), dbSNP rs566251077, ClinGen allele CA048986.
Genomic context (GRCh38, chr18:31,521,186, plus strand): 5'-GGAAACAATGTAGAGAAACCCTTAGAGCTACGCATTAAGGTTCTTGATATCAATGACAAC[G>A]AACCAGTGTTCACACAGGATGTCTTTGTTGGGTCTGTTGAAGAGTTGAGTGCAGCACGTA-3'
Protein context (NP_001934.2, residues 146-166): RIKVLDINDN[Glu156Lys]PVFTQDVFVG